The following is an entry in ClinVar:

NM_005188.4(CBL):c.1562A>T (p.Lys521Met)

Gene: CBL (Cbl proto-oncogene; plus strand). Cytogenetic location: 11q23.3.
Variant type: single nucleotide variant.
Coding change: c.1562A>T on transcript NM_005188.4 (MANE Select); coding-DNA position 1562, A replaced by T.
Protein change: p.Lys521Met; replaces lysine 521 with methionine.
Molecular consequence: missense variant.
Genome position (GRCh38, 1-based): chr11:119,285,099, A>T. VCF-style: chr11-119285099-A-T. GRCh37 (hg19) VCF-style: chr11-119155809-A-T.
Other names: c.1562A>T (NM_005188.2); short protein forms K521M.
Identifiers: ClinVar variation 2712936 (VCV002712936.5), dbSNP rs1949970967, ClinGen allele CA382918641.
Genomic context (GRCh38, chr11:119,285,099, plus strand): 5'-ACCTTCTGCCGCAGCGAGTATGTGTTCCCTCAAGTGCTTCTGCTCTTGGAACTGCTTCTA[A>T]GGTAAAGCATTTTCCATTACTGCAGTTTTTGGATTCTTTGCTGTGTACTAGTGGGTTTTT-3'
Protein context (NP_005179.2, residues 511-531): SSASALGTAS[Lys521Met]AASGSLHKDK

ClinVar aggregate classification (germline): Uncertain significance. Review status: criteria provided, multiple submitters, no conflicts (2 of 4 stars). 3 submissions from 3 submitters: Uncertain significance (3). Last evaluated 2025-06-23.

Conditions:
RASopathy. Also called: rasopathies; Noonan spectrum disorder. Identifiers: Orphanet 536391, MedGen C5555857, MONDO:0021060.
Cardiovascular phenotype. Identifiers: MedGen CN230736.

Allele frequency attached by ClinVar (database versions not stated): gnomAD exomes below 0.00001.
gnomAD v4.1: 1 of 1,614,088 alleles (0.000062%); highest among the groups gnomAD compares: African/African-American, 0.0013%; no homozygotes.

Submissions (3):

Women's Health and Genetics/Laboratory Corporation of America, LabCorp
Classification: Uncertain significance. Last evaluated: 2025-06-23. Review status: criteria provided, single submitter. Criteria: LabCorp Variant Classification Summary - May 2015. Collection method: clinical testing. Allele origin: germline.
Comment: Variant summary: CBL c.1562A>T (p.Lys521Met) results in a non-conservative amino acid change in the encoded protein sequence. Algorithms developed to predict the effect of missense changes on protein structure and function all suggest that this variant is likely to be disruptive. Several computational tools predict a significant impact on normal splicing: Four predict the variant weakens a canonical 5' donor site. However, these predictions have yet to be confirmed by functional studies. The variant was absent in 251470 control chromosomes. The available data on variant occurrences in the general population are insufficient to allow any conclusion about variant significance. To our knowledge, no occurrence of c.1562A>T in individuals affected with Noonan Syndrome And Related Conditions and no experimental evidence demonstrating its impact on protein function have been reported. ClinVar contains an entry for this variant (Variation ID: 2712936). Based on the evidence outlined above, the variant was classified as uncertain significance.

Labcorp Genetics (formerly Invitae), Labcorp
Classification: Uncertain significance for RASopathy. Last evaluated: 2025-05-01. Review status: criteria provided, single submitter. Criteria: Invitae Variant Classification Sherloc (09022015). Collection method: clinical testing. Allele origin: germline.
Comment: This sequence change replaces lysine, which is basic and polar, with methionine, which is neutral and non-polar, at codon 521 of the CBL protein (p.Lys521Met). This variant is not present in population databases (gnomAD no frequency). This variant has not been reported in the literature in individuals affected with CBL-related conditions. ClinVar contains an entry for this variant (Variation ID: 2712936). Invitae Evidence Modeling of protein sequence and biophysical properties (such as structural, functional, and spatial information, amino acid conservation, physicochemical variation, residue mobility, and thermodynamic stability) indicates that this missense variant is not expected to disrupt CBL protein function with a negative predictive value of 95%. In summary, the available evidence is currently insufficient to determine the role of this variant in disease. Therefore, it has been classified as a Variant of Uncertain Significance.

Ambry Genetics
Classification: Uncertain significance for Cardiovascular phenotype. Last evaluated: 2025-04-06. Review status: criteria provided, single submitter. Criteria: Ambry Variant Classification Scheme 2023. Collection method: clinical testing. Allele origin: germline.
Comment: The p.K521M variant (also known as c.1562A>T), located in coding exon 10 of the CBL gene, results from an A to T substitution at nucleotide position 1562. The lysine at codon 521 is replaced by methionine, an amino acid with similar properties. This amino acid position is conserved. In addition, the in silico prediction for this alteration is inconclusive. Based on the available evidence, the clinical significance of this variant remains unclear.